The following is an entry in ClinVar:

ClinVar aggregate classification (germline): Uncertain significance. Review status: criteria provided, multiple submitters, no conflicts (2 of 4 stars). 2 submissions from 2 submitters: Uncertain significance (2). Last evaluated 2024-10-31.

Allele frequency attached by ClinVar (database versions not stated): gnomAD exomes 0.00003; ExAC 0.00005; gnomAD 0.00005; TOPMed 0.00005; 1000 Genomes Project 30x 0.00016; 1000 Genomes Project 0.00020; ESP Exome Variant Server 0.00023.
gnomAD v4.1: 52 of 1,598,336 alleles (0.0033%); highest among the groups gnomAD compares: Middle Eastern, 0.017%; no homozygotes.

Submissions (2):

Labcorp Genetics (formerly Invitae), Labcorp
Classification: Uncertain significance. Last evaluated: 2024-10-31. Review status: criteria provided, single submitter. Criteria: Invitae Variant Classification Sherloc (09022015). Collection method: clinical testing. Allele origin: germline.
Comment: This sequence change replaces proline, which is neutral and non-polar, with leucine, which is neutral and non-polar, at codon 150 of the POLE2 protein (p.Pro150Leu). This variant is present in population databases (rs149730231, gnomAD 0.01%). This variant has not been reported in the literature in individuals affected with POLE2-related conditions. ClinVar contains an entry for this variant (Variation ID: 2456285). An algorithm developed to predict the effect of missense changes on protein structure and function outputs the following: PolyPhen-2: "Benign". The leucine amino acid residue is found in multiple mammalian species, which suggests that this missense change does not adversely affect protein function. In summary, the available evidence is currently insufficient to determine the role of this variant in disease. Therefore, it has been classified as a Variant of Uncertain Significance.

Ambry Genetics
Classification: Uncertain significance. Last evaluated: 2023-01-13. Review status: criteria provided, single submitter. Criteria: Ambry Variant Classification Scheme 2023. Collection method: clinical testing. Allele origin: germline.

NM_002692.4(POLE2):c.449C>T (p.Pro150Leu)

Gene: POLE2 (DNA polymerase epsilon 2, accessory subunit; minus strand). Cytogenetic location: 14q21.3.
Variant type: single nucleotide variant.
Coding change: c.449C>T on transcript NM_002692.4 (MANE Select); coding-DNA position 449, C replaced by T.
Protein change: p.Pro150Leu; replaces proline 150 with leucine.
Molecular consequence: missense variant.
Genome position (GRCh38, 1-based): chr14:49,669,567, G>A on the plus strand (C>T on the coding strand, the complement: POLE2 is on the minus strand). VCF-style: chr14-49669567-G-A. GRCh37 (hg19) VCF-style: chr14-50136285-G-A.
Other names: c.371C>T, p.Pro124Leu (NM_001197330.2); c.449C>T, p.Pro150Leu (NM_001197331.3, NM_001348384.2); c.218C>T, p.Pro73Leu (NM_001348385.2); short protein forms P150L, P124L, P73L.
Identifiers: ClinVar variation 2456285 (VCV002456285.5), dbSNP rs149730231, ClinGen allele CA7173613.